The following is an entry in ClinVar:

ClinVar aggregate classification (germline): Uncertain significance (1 of 4 stars; one submission).

Conditions:
Short-rib thoracic dysplasia 11 with or without polydactyly (SRTD11). Also called: SHORT-RIB THORACIC DYSPLASIA 11 WITHOUT POLYDACTYLY. Identifiers: Orphanet 474, Orphanet 93271, MedGen C3810200, MONDO:0014287, OMIM 615633.

Allele frequency attached by ClinVar (database versions not stated): gnomAD exomes below 0.00001; ExAC 0.00001.
gnomAD v4.1: 2 of 1,613,000 alleles (0.00012%); highest among the groups gnomAD compares: Non-Finnish European, 0.00017%; no homozygotes.

Submission:

Labcorp Genetics (formerly Invitae), Labcorp
Classification: Uncertain significance for Short-rib thoracic dysplasia 11 with or without polydactyly. Last evaluated: 2022-05-04. Review status: criteria provided, single submitter. Criteria: Invitae Variant Classification Sherloc (09022015). Collection method: clinical testing. Allele origin: germline.
Comment: This sequence change replaces alanine, which is neutral and non-polar, with glycine, which is neutral and non-polar, at codon 366 of the WDR34 protein (p.Ala366Gly). This variant is not present in population databases (gnomAD no frequency). This variant has not been reported in the literature in individuals affected with WDR34-related conditions. Algorithms developed to predict the effect of missense changes on protein structure and function (SIFT, PolyPhen-2, Align-GVGD) all suggest that this variant is likely to be tolerated. In summary, the available evidence is currently insufficient to determine the role of this variant in disease. Therefore, it has been classified as a Variant of Uncertain Significance.

NM_052844.4(DYNC2I2):c.1097C>G (p.Ala366Gly)

Genes: DYNC2I2 (dynein 2 intermediate chain 2; minus strand), LOC126860772 (CDK7 strongly-dependent group 2 enhancer GRCh37_chr9:131396972-131398171; plus strand). Cytogenetic location: 9q34.11.
Variant type: single nucleotide variant.
Coding change: c.1097C>G on transcript NM_052844.4 (MANE Select); coding-DNA position 1097, C replaced by G.
Protein change: p.Ala366Gly; replaces alanine 366 with glycine.
Molecular consequence: missense variant.
Genome position (GRCh38, 1-based): chr9:128,634,806, G>C on the plus strand (C>G on the coding strand, the complement: DYNC2I2 is on the minus strand). VCF-style: chr9-128634806-G-C. GRCh37 (hg19) VCF-style: chr9-131397085-G-C.
Other names: short protein forms A366G.
Identifiers: ClinVar variation 2123888 (VCV002123888.4), dbSNP rs777338886, ClinGen allele CA5266345.